The following is an entry in ClinVar:

NM_000051.4(ATM):c.6348-14_6348-10del

Genes: ATM (ATM serine/threonine kinase; plus strand), C11orf65 (chromosome 11 open reading frame 65; minus strand). Cytogenetic location: 11q22.3.
Variant type: Deletion.
Coding change: c.6348-14_6348-10del on transcript NM_000051.4 (MANE Select); 14 bases into the intron before coding-DNA position 6348 through 10 bases into the intron before coding-DNA position 6348, 5 bases deleted (GACTT; older notation c.6348-14_6348-10delGACTT).
Molecular consequence: intron variant.
Genome position (GRCh38, 1-based): chr11:108,319,940-108,319,944, GACTT deleted; deleting any 5 consecutive bases within chr11:108,319,938-108,319,944 gives the same sequence; the c. name uses the placement nearest the transcript's 3' end. VCF-style (leftmost placement, unchanged base first): chr11-108319937-TTTGAC-T. GRCh37 (hg19) VCF-style: chr11-108190664-TTTGAC-T.
Other names: c.6348-14_6348-10del (NM_001351834.2); c.641-10871_641-10867del (NM_001330368.2); c.*39-10871_*39-10867del (NM_001351110.2).
Identifiers: ClinVar variation 2783474 (VCV002783474.4), dbSNP rs2547143863, ClinGen allele CA2739266020.
Genomic context (GRCh38, chr11:108,319,937, plus strand): 5'-TTTGGTGAAGCTATTTATACATGTATATCTTAGGGTTCTGTTTTTAAGTATATTTTTTTC[TTTGAC>T]TTATCTCACAGCAAAGAAGTAGAAGGAACCAGTTACCATGAATCATTGTACAATGCTCTA-3'

ClinVar aggregate classification (germline): Likely benign. Review status: criteria provided, multiple submitters, no conflicts (2 of 4 stars). 2 submissions from 2 submitters: Likely benign (2). Last evaluated 2025-10-23.

Conditions:
Ataxia-telangiectasia syndrome (AT). Also called: LOUIS-BAR SYNDROME; Cerebello-oculocutaneous telangiectasia; Immunodeficiency with ataxia telangiectasia; Ataxia telangiectasia (A-T); Ataxia-telangiectasia, complementation group D; AT, COMPLEMENTATION GROUP C. Identifiers: Orphanet 100, MedGen C0004135, MONDO:0008840, OMIM 208900.
Familial cancer of breast. Also called: BREAST CANCER, FAMILIAL; Hereditary breast cancer; hereditary breast carcinoma. Identifiers: Orphanet 227535, MedGen C0346153, MONDO:0016419, OMIM 114480. Disease mechanism: loss of function.

Submissions (2):

Labcorp Genetics (formerly Invitae), Labcorp
Classification: Likely benign for Ataxia-telangiectasia syndrome. Last evaluated: 2025-10-23. Review status: criteria provided, single submitter. Criteria: Invitae Variant Classification Sherloc (09022015). Collection method: clinical testing. Allele origin: germline.

Myriad Genetics, Inc.
Classification: Likely benign for Familial cancer of breast. Last evaluated: 2024-06-05. Review status: criteria provided, single submitter. Criteria: Myriad Autosomal Dominant, Autosomal Recessive and X-Linked Classification Criteria (2023). Collection method: clinical testing. Allele origin: unknown.
Comment: This variant is considered likely benign. This variant is intronic and is not expected to impact mRNA splicing.